The following is an entry in ClinVar:

NM_024675.4(PALB2):c.181C>T (p.Gln61Ter)

Gene: PALB2 (partner and localizer of BRCA2; minus strand). Cytogenetic location: 16p12.2.
Variant type: single nucleotide variant.
Coding change: c.181C>T on transcript NM_024675.4 (MANE Select); coding-DNA position 181, C replaced by T.
Protein change: p.Gln61Ter; replaces glutamine 61 with a stop codon.
Molecular consequence: nonsense.
Genome position (GRCh38, 1-based): chr16:23,637,880, G>A on the plus strand (C>T on the coding strand, the complement: PALB2 is on the minus strand). VCF-style: chr16-23637880-G-A. GRCh37 (hg19) VCF-style: chr16-23649201-G-A.
Other names: short protein forms Q61*.
Identifiers: ClinVar variation 934287 (VCV000934287.11), dbSNP rs1967100637, ClinGen allele CA395139085.

ClinVar aggregate classification (germline): Pathogenic. Review status: criteria provided, multiple submitters, no conflicts (2 of 4 stars). 2 submissions from 2 submitters: Pathogenic (2). Last evaluated 2023-09-06.

Conditions:
Familial cancer of breast. Also called: Hereditary breast cancer; hereditary breast carcinoma; BREAST CANCER, FAMILIAL. Identifiers: Orphanet 227535, MedGen C0346153, MONDO:0016419, OMIM 114480. Disease mechanism: loss of function.

Allele frequency attached by ClinVar (database versions not stated): gnomAD exomes below 0.00001.
gnomAD v4.1: 1 of 1,613,856 alleles (0.000062%); highest among the groups gnomAD compares: Non-Finnish European, 0.000085%; no homozygotes.

Submissions (2):

Myriad Genetics, Inc.
Classification: Pathogenic for Familial cancer of breast. Last evaluated: 2023-09-06. Review status: criteria provided, single submitter. Criteria: Myriad Autosomal Dominant, Autosomal Recessive and X-Linked Classification Criteria (2023). Collection method: clinical testing. Allele origin: unknown.
Comment: This variant is considered pathogenic. This variant creates a termination codon and is predicted to result in premature protein truncation.

Labcorp Genetics (formerly Invitae), Labcorp
Classification: Pathogenic for Familial cancer of breast. Last evaluated: 2020-03-12. Review status: criteria provided, single submitter. Criteria: Invitae Variant Classification Sherloc (09022015). Collection method: clinical testing. Allele origin: germline.
Comment: This sequence change creates a premature translational stop signal (p.Gln61*) in the PALB2 gene. It is expected to result in an absent or disrupted protein product. This variant is not present in population databases (ExAC no frequency). This variant has been observed in an individual affected with breast cancer (PMID: 28724667). Algorithms developed to predict the effect of sequence changes on RNA splicing suggest that this variant may create or strengthen a splice site, but this prediction has not been confirmed by published transcriptional studies. Loss-of-function variants in PALB2 are known to be pathogenic (PMID: 17200668, 24136930, 25099575). For these reasons, this variant has been classified as Pathogenic.

Literature cited by the submitters: PubMed 28724667 (cited by Labcorp Genetics (formerly Invitae), Labcorp); PubMed 17200668 (cited by Labcorp Genetics (formerly Invitae), Labcorp); PubMed 24136930 (cited by Labcorp Genetics (formerly Invitae), Labcorp); PubMed 25099575 (cited by Labcorp Genetics (formerly Invitae), Labcorp).